The following is an entry in ClinVar:

NM_198253.3(TERT):c.2971-4_2971-3del

Gene: TERT (telomerase reverse transcriptase; minus strand). Cytogenetic location: 5p15.33.
Variant type: Microsatellite.
Coding change: c.2971-4_2971-3del on transcript NM_198253.3 (MANE Select); 4 bases into the intron before coding-DNA position 2971 through 3 bases into the intron before coding-DNA position 2971, 2 bases deleted (CT; older notation c.2971-4_2971-3delCT).
Molecular consequence: intron variant.
Genome position (GRCh38, 1-based): chr5:1,258,662-1,258,663, AG deleted on the plus strand (CT on the coding strand, the reverse complement: TERT is on the minus strand); deleting any 2 consecutive bases within chr5:1,258,662-1,258,665 gives the same sequence; the c. name uses the placement nearest the transcript's 3' end. VCF-style (leftmost placement, unchanged base first): chr5-1258661-TAG-T. GRCh37 (hg19) VCF-style: chr5-1258776-TAG-T.
Other names: c.2782-4_2782-3del (NM_001193376.3); c.2971-4_2971-3delCT (NM_198253.2).
Identifiers: ClinVar variation 647846 (VCV000647846.10), dbSNP rs1463846007, ClinGen allele CA803361158.
Genomic context (GRCh38, chr5:1,258,661, plus strand): 5'-TACGCCTGCAGCAGGAGGATCTTGTAGATGTTGGTGCACACCGTCTGGAGGCTGTTCACC[TAG>T]AGTCGCCAAGAAAGAGTGAGAAACGGTAGAAACCTCTCTGGGATTTTAAGTTTTTACTTT-3'

ClinVar aggregate classification (germline): Conflicting classifications of pathogenicity. Review status: criteria provided, conflicting classifications (1 of 4 stars). 2 submissions from 2 submitters: Uncertain significance (1); Likely benign (1). Last evaluated 2025-12-16.

Conditions:
Dyskeratosis congenita. Identifiers: Orphanet 1775, MedGen C0265965, MONDO:0015780.
Idiopathic Pulmonary Fibrosis. Also called: Idiopathic fibrosing alveolitis, chronic form; idiopathic fibrosing alveolitis. Identifiers: Orphanet 2032, MedGen C1800706, MeSH D054990, MONDO:0800504.
Dyskeratosis congenita, autosomal dominant 2. Identifiers: MedGen C3151443, MONDO:0013521, OMIM 613989.

Submissions (2):

Ambry Genetics
Classification: Uncertain significance for Dyskeratosis congenita. Last evaluated: 2025-12-16. Review status: criteria provided, single submitter. Criteria: Ambry Variant Classification Scheme 2023. Collection method: clinical testing. Allele origin: germline.
Comment: The c.2971-4_2971-3delCT intronic variant, located in intron 12 of the TERT gene, results from a deletion of two nucleotides (CT) within intron 12 of the TERT gene. These nucleotide positions are not well conserved in available vertebrate species. In silico splice site analysis predicts that this alteration will not have any significant effect on splicing. Based on the available evidence, the clinical significance of this variant remains unclear.

Labcorp Genetics (formerly Invitae), Labcorp
Classification: Likely benign for Dyskeratosis congenita, autosomal dominant 2; Idiopathic Pulmonary Fibrosis. Last evaluated: 2022-11-28. Review status: criteria provided, single submitter. Criteria: Invitae Variant Classification Sherloc (09022015). Collection method: clinical testing. Allele origin: germline.